The following is an entry in ClinVar:

NM_000059.4(BRCA2):c.6478C>G (p.Gln2160Glu)

Gene: BRCA2 (BRCA2 DNA repair associated; plus strand). Cytogenetic location: 13q13.1.
Variant type: single nucleotide variant.
Coding change: c.6478C>G on transcript NM_000059.4 (MANE Select); coding-DNA position 6478, C replaced by G.
Protein change: p.Gln2160Glu; replaces glutamine 2160 with glutamic acid.
Molecular consequence: missense variant. On other transcripts: non-coding transcript variant (1), intron variant (2).
Genome position (GRCh38, 1-based): chr13:32,340,833, C>G. VCF-style: chr13-32340833-C-G. GRCh37 (hg19) VCF-style: chr13-32914970-C-G.
Other names: c.6478C>G, p.Gln2160Glu (NM_001406719.1, NM_001406720.1, NM_001432077.1); c.1910-3725C>G (NM_001406721.1); c.425-3725C>G (NM_001406722.1); short protein forms Q2160E.
Identifiers: ClinVar variation 3992798 (VCV003992798.1).
Genomic context (GRCh38, chr13:32,340,833, plus strand): 5'-GGTGGTTCTTCAGAAAATAATCACTCTATTAAAGTTTCTCCATATCTCTCTCAATTTCAA[C>G]AAGACAAACAACAGTTGGTATTAGGAACCAAAGTGTCACTTGTTGAGAACATTCATGTTT-3'
Protein context (NP_000050.3, residues 2150-2170): KVSPYLSQFQ[Gln2160Glu]DKQQLVLGTK

ClinVar aggregate classification (germline): Uncertain significance (1 of 4 stars; one submission).

Conditions:
Hereditary cancer-predisposing syndrome. Also called: Tumor predisposition; Hereditary neoplastic syndrome; Neoplastic Syndromes, Hereditary; Hereditary Cancer Syndrome. Identifiers: Orphanet 140162, MedGen C0027672, MeSH D009386, MONDO:0015356.

Submission:

Ambry Genetics
Classification: Uncertain significance for Hereditary cancer-predisposing syndrome. Last evaluated: 2025-05-06. Review status: criteria provided, single submitter. Criteria: Ambry Variant Classification Scheme 2023. Collection method: clinical testing. Allele origin: germline.
Comment: The p.Q2160E variant (also known as c.6478C>G), located in coding exon 10 of the BRCA2 gene, results from a C to G substitution at nucleotide position 6478. The glutamine at codon 2160 is replaced by glutamic acid, an amino acid with highly similar properties. This amino acid position is not well conserved in available vertebrate species. In addition, this alteration is predicted to be tolerated by in silico analysis. Based on the available evidence, the clinical significance of this variant remains unclear.